The following is an entry in ClinVar:

NM_000487.6(ARSA):c.130C>A (p.Pro44Thr)

Gene: ARSA (arylsulfatase A; minus strand). Cytogenetic location: 22q13.33.
Variant type: single nucleotide variant.
Coding change: c.130C>A on transcript NM_000487.6 (MANE Select); coding-DNA position 130, C replaced by A.
Protein change: p.Pro44Thr; replaces proline 44 with threonine.
Molecular consequence: missense variant. On other transcripts: intron variant (2).
Genome position (GRCh38, 1-based): chr22:50,627,650, G>T on the plus strand (C>A on the coding strand, the complement: ARSA is on the minus strand). VCF-style: chr22-50627650-G-T. GRCh37 (hg19) VCF-style: chr22-51066078-G-T.
Other names: c.130C>A, p.Pro44Thr (NM_001085425.3, NM_001085426.3, NM_001085427.3); c.-34-244C>A (NM_001362782.2, NM_001085428.3); short protein forms P44T.
Identifiers: ClinVar variation 2013776 (VCV002013776.1), dbSNP rs2518336845, ClinGen allele CA412182826.

ClinVar aggregate classification (germline): Uncertain significance (1 of 4 stars; one submission).

Conditions:
Metachromatic leukodystrophy (MLD). Also called: METACHROMATIC LEUKOENCEPHALOPATHY; SULFATIDE LIPIDOSIS; Cerebral sclerosis diffuse metachromatic form; Arylsulfatase A Deficiency; ARSA DEFICIENCY; CEREBROSIDE SULFATASE DEFICIENCY. Identifiers: Orphanet 512, MedGen C0023522, MONDO:0018868, OMIM 250100.

Submission:

Labcorp Genetics (formerly Invitae), Labcorp
Classification: Uncertain significance for Metachromatic leukodystrophy. Last evaluated: 2022-07-03. Review status: criteria provided, single submitter. Criteria: Invitae Variant Classification Sherloc (09022015). Collection method: clinical testing. Allele origin: germline.
Comment: This sequence change replaces proline, which is neutral and non-polar, with threonine, which is neutral and polar, at codon 44 of the ARSA protein (p.Pro44Thr). This variant is not present in population databases (gnomAD no frequency). This variant has not been reported in the literature in individuals affected with ARSA-related conditions. Advanced modeling of protein sequence and biophysical properties (such as structural, functional, and spatial information, amino acid conservation, physicochemical variation, residue mobility, and thermodynamic stability) performed at Invitae indicates that this missense variant is expected to disrupt ARSA protein function. In summary, the available evidence is currently insufficient to determine the role of this variant in disease. Therefore, it has been classified as a Variant of Uncertain Significance.